The following is an entry in ClinVar:

NM_194293.4(XIRP1):c.2250C>T (p.Leu750=)

Gene: XIRP1 (xin actin binding repeat containing 1; minus strand). Cytogenetic location: 3p22.2.
Variant type: single nucleotide variant.
Coding change: c.2250C>T on transcript NM_194293.4 (MANE Select); coding-DNA position 2250, C replaced by T.
Protein change: p.Leu750=; no amino-acid change (leucine 750 retained).
Molecular consequence: synonymous variant. On other transcripts: intron variant (1).
Genome position (GRCh38, 1-based): chr3:39,187,196, G>A on the plus strand (C>T on the coding strand, the complement: XIRP1 is on the minus strand). VCF-style: chr3-39187196-G-A. GRCh37 (hg19) VCF-style: chr3-39228687-G-A.
Other names: c.2250C>T, p.Leu750= (NM_001198621.4); c.-167-1535C>T (NM_001351377.2).
Identifiers: ClinVar variation 735508 (VCV000735508.6), dbSNP rs140432105, ClinGen allele CA2326297.

ClinVar aggregate classification (germline): Benign. Review status: criteria provided, single submitter (1 of 4 stars). 2 submissions from 2 submitters: Benign (1). 1 of the submissions does not count toward it. Last evaluated 2019-12-31.

Conditions:
XIRP1-related disorder. Also called: XIRP1-related condition.

Allele frequency attached by ClinVar (database versions not stated): gnomAD exomes 0.00008 and 0.00028; ExAC 0.00033; gnomAD 0.00109 and 0.00110; TOPMed 0.00110; ESP Exome Variant Server 0.00131; 1000 Genomes Project 0.00180; 1000 Genomes Project 30x 0.00250.
gnomAD v4.1: 297 of 1,596,546 alleles (0.019%); highest among the groups gnomAD compares: African/African-American, 0.37%; 1 homozygote.

Submissions (2):

Labcorp Genetics (formerly Invitae), Labcorp
Classification: Benign. Last evaluated: 2019-12-31. Review status: criteria provided, single submitter. Criteria: Invitae Variant Classification Sherloc (09022015). Collection method: clinical testing. Allele origin: germline.

PreventionGenetics, part of Exact Sciences
Classification: Likely benign for XIRP1-related condition. Last evaluated: 2019-10-28. Review status: no assertion criteria provided. Collection method: clinical testing. Allele origin: germline. Not counted in ClinVar's aggregate classification.
Comment: This variant is classified as likely benign based on ACMG/AMP sequence variant interpretation guidelines (Richards et al. 2015 PMID: 25741868, with internal and published modifications).